The following is an entry in ClinVar:

NM_002890.3(RASA1):c.2806_2807insTT (p.Ser936fs)

Genes: CCNH (cyclin H; minus strand), RASA1 (RAS p21 protein activator 1; plus strand). Cytogenetic location: 5q14.3.
Variant type: Insertion.
Coding change: c.2806_2807insTT on transcript NM_002890.3 (MANE Select); coding-DNA positions 2806 to 2807, TT inserted.
Protein change: p.Ser936fs; shifts the reading frame from serine 936.
Molecular consequence: frameshift variant. On other transcripts: intron variant (1).
Genome position: GRCh38 VCF-style: chr5-87385347-A-ATT. GRCh37 (hg19) VCF-style: chr5-86681164-A-ATT.
Other names: c.2275_2276insTT, p.Ser759fs (NM_022650.3); c.933+9696_933+9697insAA (NM_001364075.2); short protein forms S936fs, S759fs.
Identifiers: ClinVar variation 561949 (VCV000561949.3), dbSNP rs1561329866, ClinGen allele CA658822123.

ClinVar aggregate classification (germline): Pathogenic (1 of 4 stars; one submission).

Submission:

GeneDx
Classification: Pathogenic. Last evaluated: 2018-07-02. Review status: criteria provided, single submitter. Criteria: GeneDx Variant Classification (06012015). Collection method: clinical testing. Allele origin: germline. Affected: yes.
Comment: The c.2806_2807insTT variant in the RASA1 gene has not been reported previously as a pathogenic variant nor as a benign variant, to our knowledge. The c.2806_2807insTT variant causes a frameshift starting with codon Serine 936, changes this amino acid to a Phenylalanine residue, and creates a premature Stop codon at position 6 of the new reading frame, denoted p.Ser936PhefsX6. This variant is predicted to cause loss of normal protein function either through protein truncation or nonsense-mediated mRNA decay. The c.2806_2807insTT variant is not observed in large population cohorts (Lek et al., 2016). We interpret c.2806_2807insTT as a pathogenic variant.